The following is an entry in ClinVar:

NM_001039569.2(AP1S3):c.220C>A (p.Gln74Lys)

Gene: AP1S3 (adaptor related protein complex 1 subunit sigma 3; minus strand). Cytogenetic location: 2q36.1.
Variant type: single nucleotide variant.
Coding change: c.220C>A on transcript NM_001039569.2 (MANE Select); coding-DNA position 220, C replaced by A.
Protein change: p.Gln74Lys; replaces glutamine 74 with lysine.
Molecular consequence: missense variant. On other transcripts: non-coding transcript variant (1).
Genome position (GRCh38, 1-based): chr2:223,775,972, G>T on the plus strand (C>A on the coding strand, the complement: AP1S3 is on the minus strand). VCF-style: chr2-223775972-G-T. GRCh37 (hg19) VCF-style: chr2-224640689-G-T.
Other names: short protein forms Q74K.
Identifiers: ClinVar variation 4820980 (VCV004820980.4).

ClinVar aggregate classification (germline): Uncertain significance (1 of 4 stars; one submission).

gnomAD v4.1: 40 of 1,613,924 alleles (0.0025%); highest among the groups gnomAD compares: Non-Finnish European, 0.0033%; no homozygotes.

Submission:

CeGaT Center for Human Genetics Tuebingen
Classification: Uncertain significance. Last evaluated: 2026-02-01. Review status: criteria provided, single submitter. Criteria: CeGaT Center For Human Genetics Tuebingen Variant Classification Criteria Version 2. Collection method: clinical testing. Allele origin: germline. Affected: yes. Observed: 1 variant allele.
Comment: AP1S3: PM2, BP4